The following is an entry in ClinVar:

NM_000059.4(BRCA2):c.2573G>C (p.Arg858Thr)

Gene: BRCA2 (BRCA2 DNA repair associated; plus strand). Cytogenetic location: 13q13.1.
Variant type: single nucleotide variant.
Coding change: c.2573G>C on transcript NM_000059.4 (MANE Select); coding-DNA position 2573, G replaced by C.
Protein change: p.Arg858Thr; replaces arginine 858 with threonine.
Molecular consequence: missense variant. On other transcripts: non-coding transcript variant (1), intron variant (2).
Genome position (GRCh38, 1-based): chr13:32,336,928, G>C. VCF-style: chr13-32336928-G-C. GRCh37 (hg19) VCF-style: chr13-32911065-G-C.
Other names: c.2573G>C, p.Arg858Thr (NM_001406719.1, NM_001406720.1); c.1909+3541G>C (NM_001406721.1); c.424+5898G>C (NM_001406722.1); short protein forms R858T.
Identifiers: ClinVar variation 3002798 (VCV003002798.4), dbSNP rs2137487821, ClinGen allele CA387772572.

ClinVar aggregate classification (germline): Conflicting classifications of pathogenicity. Review status: criteria provided, conflicting classifications (1 of 4 stars). 2 submissions from 2 submitters: Uncertain significance (1); Likely benign (1). Last evaluated 2025-02-15.

Conditions:
Hereditary cancer-predisposing syndrome. Also called: Hereditary Cancer Syndrome; Neoplastic Syndromes, Hereditary; Tumor predisposition; Hereditary neoplastic syndrome. Identifiers: Orphanet 140162, MedGen C0027672, MeSH D009386, MONDO:0015356.
Hereditary breast ovarian cancer syndrome. Also called: BRCA1- and BRCA2-Associated Hereditary Breast and Ovarian Cancer; Hereditary breast and ovarian cancer syndrome (HBOC); Hereditary breast and/or ovarian cancer syndrome; Hereditary breast and ovarian cancer syndrome; Breast and ovarian cancer; Hereditary breast and ovarian cancer. Identifiers: Orphanet 145, MedGen C0677776, MeSH D061325, MONDO:0003582. Disease mechanism: loss of function.

Submissions (2):

Ambry Genetics
Classification: Likely benign for Hereditary cancer-predisposing syndrome. Last evaluated: 2025-02-15. Review status: criteria provided, single submitter. Criteria: Ambry Variant Classification Scheme 2023. Collection method: clinical testing. Allele origin: germline.

Labcorp Genetics (formerly Invitae), Labcorp
Classification: Uncertain significance for Hereditary breast ovarian cancer syndrome. Last evaluated: 2024-05-18. Review status: criteria provided, single submitter. Criteria: Invitae Variant Classification Sherloc (09022015). Collection method: clinical testing. Allele origin: germline.
Comment: This sequence change replaces arginine, which is basic and polar, with threonine, which is neutral and polar, at codon 858 of the BRCA2 protein (p.Arg858Thr). This variant is not present in population databases (gnomAD no frequency). This variant has not been reported in the literature in individuals affected with BRCA2-related conditions. Advanced modeling of protein sequence and biophysical properties (such as structural, functional, and spatial information, amino acid conservation, physicochemical variation, residue mobility, and thermodynamic stability) performed at Invitae indicates that this missense variant is not expected to disrupt BRCA2 protein function with a negative predictive value of 95%. In summary, the available evidence is currently insufficient to determine the role of this variant in disease. Therefore, it has been classified as a Variant of Uncertain Significance.